The following is an entry in ClinVar:

NM_053025.4(MYLK):c.2582T>C (p.Leu861Pro)

Gene: MYLK (myosin light chain kinase; minus strand). Cytogenetic location: 3q21.1.
Variant type: single nucleotide variant.
Coding change: c.2582T>C on transcript NM_053025.4 (MANE Select); coding-DNA position 2582, T replaced by C.
Protein change: p.Leu861Pro; replaces leucine 861 with proline.
Molecular consequence: missense variant.
Genome position (GRCh38, 1-based): chr3:123,700,886, A>G on the plus strand (T>C on the coding strand, the complement: MYLK is on the minus strand). VCF-style: chr3-123700886-A-G. GRCh37 (hg19) VCF-style: chr3-123419733-A-G.
Other names: c.2054T>C, p.Leu685Pro (NM_001321309.2); c.2375T>C, p.Leu792Pro (NM_053026.4, NM_053028.4); c.2582T>C, p.Leu861Pro (NM_053027.4); short protein forms L861P, L792P, L685P.
Identifiers: ClinVar variation 226758 (VCV000226758.29), dbSNP rs3732486, ClinGen allele CA068741.

ClinVar aggregate classification (germline): Benign/Likely benign. Review status: criteria provided, multiple submitters, no conflicts (2 of 4 stars). 12 submissions from 12 submitters: Benign (8); Likely benign (2). 2 of the submissions do not count toward it. Last evaluated 2026-02-04.

Conditions:
Familial thoracic aortic aneurysm and aortic dissection (TAAD). Also called: Thoracic aortic aneurysms and dissections. Identifiers: Orphanet 91387, MedGen C4707243, MONDO:0019625.
Aortic aneurysm, familial thoracic 7 (AAT7). Also called: AORTIC DISSECTION, FAMILIAL, WITH OR WITHOUT AORTIC ANEURYSM. Identifiers: MedGen C3151077, MONDO:0013418, OMIM 613780.

Allele frequency attached by ClinVar (database versions not stated): gnomAD exomes 0.05318 and 0.11521; ESP Exome Variant Server 0.09988; gnomAD 0.11664 and 0.12420; ExAC 0.12102; TOPMed 0.12841; 1000 Genomes Project 30x 0.26999; 1000 Genomes Project 0.27895.
gnomAD v4.1: 98,679 of 1,612,728 alleles (6.1%); highest among the groups gnomAD compares: East Asian, 49%; 12,902 homozygotes.

Submissions (12):

Labcorp Genetics (formerly Invitae), Labcorp
Classification: Benign for Aortic aneurysm, familial thoracic 7. Last evaluated: 2026-02-04. Review status: criteria provided, single submitter. Criteria: Invitae Variant Classification Sherloc (09022015). Collection method: clinical testing. Allele origin: germline.

Blueprint Genetics
Classification: Benign. Last evaluated: 2024-11-26. Review status: criteria provided, single submitter. Criteria: ACMG Guidelines, 2015. Collection method: clinical testing. Allele origin: germline.

Women's Health and Genetics/Laboratory Corporation of America, LabCorp
Classification: Likely benign. Last evaluated: 2020-08-16. Review status: criteria provided, single submitter. Criteria: LabCorp Variant Classification Summary - May 2015. Collection method: clinical testing. Allele origin: germline.

Illumina Laboratory Services, Illumina
Classification: Benign for Aortic aneurysm, familial thoracic 7. Last evaluated: 2018-01-13. Review status: criteria provided, single submitter. Criteria: ICSL Variant Classification Criteria 13 December 2019. Collection method: clinical testing. Allele origin: germline.
Comment: This variant was observed in the ICSL laboratory as part of a predisposition screen in an ostensibly healthy population. It had not been previously curated by ICSL or reported in the Human Gene Mutation Database (HGMD: prior to June 1st, 2018), and was therefore a candidate for classification through an automated scoring system. Utilizing variant allele frequency, disease prevalence and penetrance estimates, and inheritance mode, an automated score was calculated to assess if this variant is too frequent to cause the disease. Based on the score and internal cut-off values, a variant classified as benign is not then subjected to further curation. The score for this variant resulted in a classification of benign for this disease.

GeneDx
Classification: Benign. Last evaluated: 2016-09-26. Review status: criteria provided, single submitter. Criteria: GeneDx Variant Classification (06012015). Collection method: clinical testing. Allele origin: germline. Affected: yes.
Comment: This variant is considered likely benign or benign based on one or more of the following criteria: it is a conservative change, it occurs at a poorly conserved position in the protein, it is predicted to be benign by multiple in silico algorithms, and/or has population frequency not consistent with disease.

Ambry Genetics
Classification: Benign for Familial thoracic aortic aneurysm and aortic dissection. Last evaluated: 2015-01-23. Review status: criteria provided, single submitter. Criteria: Ambry Variant Classification Scheme 2023. Collection method: clinical testing. Allele origin: germline.

Mayo Clinic Laboratories, Mayo Clinic
Classification: Benign. Last evaluated: 2014-04-17. Review status: criteria provided, single submitter. Criteria: ACMG Guidelines, 2015. Collection method: clinical testing. Allele origin: germline. Observed: 120 variant alleles.

Laboratory for Molecular Medicine, Mass General Brigham Personalized Medicine
Classification: Benign. Last evaluated: 2013-04-04. Review status: criteria provided, single submitter. Criteria: LMM Criteria. Collection method: clinical testing. Allele origin: germline. Observed: 9 variant alleles.
Comment: Leu861Pro in exon 18 of MYLK: This variant is not expected to have clinical sign ificance because it has been identified in 26.0% (1145/4406) of African American chromosomes from a broad population by the NHLBI Exome Sequencing Project (dbSNP rs3732486).

Breakthrough Genomics
Classification: Likely benign. Review status: criteria provided, single submitter. Criteria: ACMG Guidelines, 2015. Collection method: not provided. Allele origin: germline. Inheritance: Autosomal recessive inheritance. Affected: yes.

PreventionGenetics, part of Exact Sciences
Classification: Benign. Review status: criteria provided, single submitter. Criteria: ACMG Guidelines, 2015. Collection method: clinical testing. Allele origin: germline.

Clinical Genetics DNA and cytogenetics Diagnostics Lab, Erasmus MC, Erasmus Medical Center
Classification: Benign. Review status: no assertion criteria provided. Collection method: clinical testing. Allele origin: germline. Affected: yes. Study: VKGL Data-share Consensus. Not counted in ClinVar's aggregate classification.

Genome Diagnostics Laboratory, Amsterdam University Medical Center
Classification: Benign. Review status: no assertion criteria provided. Collection method: clinical testing. Allele origin: germline. Affected: yes. Study: VKGL Data-share Consensus. Not counted in ClinVar's aggregate classification.